The following is an entry in ClinVar:

NM_000540.3(RYR1):c.14555A>G (p.Tyr4852Cys)

Gene: RYR1 (ryanodine receptor 1; plus strand). Cytogenetic location: 19q13.2.
Variant type: single nucleotide variant.
Coding change: c.14555A>G on transcript NM_000540.3 (MANE Select); coding-DNA position 14555, A replaced by G.
Protein change: p.Tyr4852Cys; replaces tyrosine 4852 with cysteine.
Molecular consequence: missense variant.
Genome position (GRCh38, 1-based): chr19:38,580,413, A>G. VCF-style: chr19-38580413-A-G. GRCh37 (hg19) VCF-style: chr19-39071053-A-G.
Other names: c.14540A>G, p.Tyr4847Cys (NM_001042723.2); short protein forms Y4852C, Y4847C.
Identifiers: ClinVar variation 284245 (VCV000284245.15), dbSNP rs886042826, ClinGen allele CA10604732.

ClinVar aggregate classification (germline): Pathogenic/Likely pathogenic. Review status: criteria provided, multiple submitters, no conflicts (2 of 4 stars). 3 submissions from 3 submitters: Pathogenic (1); Likely pathogenic (1). 1 of the submissions does not count toward it. Last evaluated 2021-08-25.

Conditions:
RYR1-related disorder. Also called: RYR1-related disorders; RYR1-related condition. Identifiers: MedGen CN239331.

Submissions (3):

PreventionGenetics, part of Exact Sciences
Classification: Likely pathogenic. Last evaluated: 2021-08-25. Review status: criteria provided, single submitter. Criteria: ACMG Guidelines, 2015. Collection method: clinical testing. Allele origin: germline.

Labcorp Genetics (formerly Invitae), Labcorp
Classification: Pathogenic for RYR1-related disorder. Last evaluated: 2021-06-24. Review status: criteria provided, single submitter. Criteria: Invitae Variant Classification Sherloc (09022015). Collection method: clinical testing. Allele origin: germline.
Comment: For these reasons, this variant has been classified as Pathogenic. Advanced modeling of protein sequence and biophysical properties (such as structural, functional, and spatial information, amino acid conservation, physicochemical variation, residue mobility, and thermodynamic stability) performed at Invitae indicates that this missense variant is expected to disrupt RYR1 protein function. This variant has been observed in individual(s) with central core myopathy (Invitae). In at least one individual the variant was observed to be de novo. ClinVar contains an entry for this variant (Variation ID: 284245). This variant is not present in population databases (ExAC no frequency). This sequence change replaces tyrosine with cysteine at codon 4852 of the RYR1 protein (p.Tyr4852Cys). The tyrosine residue is highly conserved and there is a large physicochemical difference between tyrosine and cysteine.

Eurofins Ntd Llc (ga)
Classification: Uncertain significance. Last evaluated: 2015-11-09. Review status: flagged submission. Criteria: EGL Classification Definitions 2015. Collection method: clinical testing. Allele origin: germline. Observed: 1 variant allele, 1 heterozygote. Not counted in ClinVar's aggregate classification.
ClinVar note: Reason: Older claim that does not account for recent evidence